The following is an entry in ClinVar:

NM_031407.7(HUWE1):c.145-2A>G

Gene: HUWE1 (HECT, UBA and WWE domain containing E3 ubiquitin protein ligase 1; minus strand). Cytogenetic location: Xp11.22.
Variant type: single nucleotide variant.
Coding change: c.145-2A>G on transcript NM_031407.7 (MANE Select); the canonical splice acceptor site of the intron before coding-DNA position 145, A replaced by G.
Molecular consequence: splice acceptor variant.
Genome position (GRCh38, 1-based): chrX:53,647,576, T>C on the plus strand (A>G on the coding strand, the complement: HUWE1 is on the minus strand). VCF-style: chrX-53647576-T-C. GRCh37 (hg19) VCF-style: chrX-53674519-T-C.
Other names: IVS5AS, A-G, -2.
Identifiers: ClinVar variation 617512 (VCV000617512.6), dbSNP rs1569509136, ClinGen allele CA413166812.
Genomic context (GRCh38, chrX:53,647,576, plus strand): 5'-GCATCTGCCAGTATTCCATCGAAGCGGTCCAACAGGTCCACCCAGTGATATAACTCGCAC[T>C]GGAGAGGGGAGGAAAAAGAGGATGTAAGAATAAGGTAGAAGCGCCGCATGGGTGCTTTCT-3'

ClinVar aggregate classification (germline): Likely pathogenic. Review status: criteria provided, single submitter (1 of 4 stars). 2 submissions from 2 submitters: Likely pathogenic (1). 1 of the submissions does not count toward it.

Conditions:
Trigonocephaly-short stature-developmental delay syndrome. Also called: TRIGONOCEPHALY WITH SHORT STATURE AND DEVELOPMENTAL DELAY; Say Meyer syndrome; Trigonocephaly, short stature and developmental delay; Trigonocephaly, short stature, and retarded psychomotor development. Identifiers: Orphanet 3369, MedGen C1839125, MONDO:0010749, OMIM 314320.
Intellectual developmental disorder, X-linked, syndromic, Turner type. Also called: X-linked intellectual disability, Turner type; Intellectual disability, X-linked syndromic, Turner type. Identifiers: Orphanet 3056, Orphanet 85328, MedGen C2678046, MONDO:0010407, OMIM 309590.

Submissions (2):

Institute of Bioinformatics
Classification: Likely pathogenic for Say-Meyer syndrome. Review status: criteria provided, single submitter. Criteria: ACMG Guidelines, 2015. Collection method: case-control. Allele origin: inherited. Inheritance: X-linked recessive inheritance. Affected: yes. Observed: 2 hemizygotes. Clinical features observed: Intellectual disability (HP:0001249), Trigonocephaly (HP:0000243), Flat occiput (HP:0005469), Global developmental delay (HP:0001263), Malar flattening (HP:0000272), Hypotelorism (HP:0000601), Ptosis (HP:0000508), Blepharophimosis (HP:0000581), Strabismus (HP:0000486), Low-set ears (HP:0000369), Wide nasal bridge (HP:0000431), small pointed nose, and 12 more.
Comment: To study the effect of the mutation in splicing and X-chromosome inactivation in carrier females, we collected fresh blood samples and obtained total RNA from the patients, unaffected sister and parents and reverse transcription PCR was performed. An agarose gel run on the RT-PCR products resulted in a single band consistently in all samples which shows that there is no exon skipping that was suspected due to splice site mutation. Further, Sanger sequencing of the RT-PCR products was carried out which showed a deletion of 6 nucleotides in exon 6 consistently in both the patients and no deletion was found in father, mother and unaffected sister. This shows that the wild type splice site became defunct due to mutation and an alternate cryptic splice site in exon 6 has been obtained which caused the six nucleotide deletion in exon 6. The alternate splice site in the exonic region caused a deletion of six nucleotides leading to an in-frame deletion of two amino acids in the N-terminus of HUWE1 (p.Cys49-Glu50del). This shows that, the unaffected carrier mother expressed the wild type X-chromosome and the mutant X-chromosome is inactivated. Conservation analysis of this deletion mutation across orthologous species showed high conservation around the mutation p.(Cys49-Glu50del). As predicted by ExAC intolerance score and knockout studies in literature, the HUWE1 splice site mutation observed in the patients did not cause complete loss of HUWE1, rather resulted in a deletion of two amino acids that may potentially associated with the phenotypes observed in the patients.

OMIM
Classification: Pathogenic for INTELLECTUAL DEVELOPMENTAL DISORDER, X-LINKED, SYNDROMIC, TURNER TYPE. Last evaluated: 2021-08-20. Review status: no assertion criteria provided. Collection method: literature only. Allele origin: germline. Not counted in ClinVar's aggregate classification.

Literature cited by the submitters: PubMed 30797980 (cited by OMIM).